The following is an entry in ClinVar:

NM_206933.4(USH2A):c.9048C>A (p.Cys3016Ter)

Gene: USH2A (usherin; minus strand). Cytogenetic location: 1q41.
Variant type: single nucleotide variant.
Coding change: c.9048C>A on transcript NM_206933.4 (MANE Select); coding-DNA position 9048, C replaced by A.
Protein change: p.Cys3016Ter; replaces cysteine 3016 with a stop codon.
Molecular consequence: nonsense.
Genome position (GRCh38, 1-based): chr1:215,845,831, G>T on the plus strand (C>A on the coding strand, the complement: USH2A is on the minus strand). VCF-style: chr1-215845831-G-T. GRCh37 (hg19) VCF-style: chr1-216019173-G-T.
Other names: short protein forms C3016*.
Identifiers: ClinVar variation 374703 (VCV000374703.44), dbSNP rs1057519208, ClinGen allele CA16043856.

ClinVar aggregate classification (germline): Pathogenic/Likely pathogenic. Review status: criteria provided, multiple submitters, no conflicts (2 of 4 stars). 2 submissions from 2 submitters: Pathogenic (1); Likely pathogenic (1). Last evaluated 2024-11-16.

Conditions:
USH2A-related disorder. Also called: USH2A-related condition; USH2A-related disorders. Identifiers: MedGen CN239332.

Submissions (2):

Myriad Genetics, Inc.
Classification: Pathogenic for USH2A-related disorder. Last evaluated: 2024-11-16. Review status: criteria provided, single submitter. Criteria: Myriad Autosomal Dominant, Autosomal Recessive and X-Linked Classification Criteria (2023). Collection method: clinical testing. Allele origin: unknown.
Comment: NM_206933.2(USH2A):c.9048C>A(C3016*) is expected to be pathogenic in the context of USH2A-related disorders. This variant is predicted to lead to an abnormal or absent protein product due to the creation of a premature termination codon in USH2A, a gene where loss-of-function variants are known to be pathogenic. Please note: this variant was assessed in the context of healthy population screening.

CeGaT Center for Human Genetics Tuebingen
Classification: Likely pathogenic. Last evaluated: 2016-07-01. Review status: criteria provided, single submitter. Criteria: CeGaT Center For Human Genetics Tuebingen Variant Classification Criteria Version 2. Collection method: clinical testing. Allele origin: germline. Affected: yes. Observed: 1 variant allele.